The following is an entry in ClinVar:

ClinVar aggregate classification (germline): Uncertain significance. Review status: criteria provided, multiple submitters, no conflicts (2 of 4 stars). 4 submissions from 4 submitters: Uncertain significance (4). Last evaluated 2024-11-07.

Conditions:
Hennekam lymphangiectasia-lymphedema syndrome 2 (HKLLS2). Identifiers: Orphanet 2136, MedGen C4014939, MONDO:0014454, OMIM 616006.

Allele frequency attached by ClinVar (database versions not stated): TOPMed 0.00004; gnomAD 0.00005 and 0.00006; gnomAD exomes 0.00005; ExAC 0.00010.
gnomAD v4.1: 35 of 1,614,084 alleles (0.0022%); highest among the groups gnomAD compares: East Asian, 0.0045%; no homozygotes.

Submissions (4):

GeneDx
Classification: Uncertain significance. Last evaluated: 2024-11-07. Review status: criteria provided, single submitter. Criteria: GeneDx Variant Classification Process June 2021. Collection method: clinical testing. Allele origin: germline. Affected: yes.
Comment: Reported previously in a patient with a VACTERL phenotype who also harbored variants in other genes (PMID: 34823266); Not observed at significant frequency in large population cohorts (gnomAD); In silico analysis indicates that this missense variant does not alter protein structure/function; This variant is associated with the following publications: (PMID: 34823266)

Clinical Genomics Laboratory, Washington University in St. Louis
Classification: Uncertain significance for Hennekam lymphangiectasia-lymphedema syndrome 2. Last evaluated: 2023-09-01. Review status: criteria provided, single submitter. Criteria: ACMG Guidelines, 2015. Collection method: clinical testing. Allele origin: germline.
Comment: The FAT4 c.4543G>A (p.Val1515Met) variant was identified at a near heterozygous allelic fraction. This variant, to our knowledge, has not been reported in the medical literature. This variant has been reported in the ClinVar database as a variant of uncertain significance by two submitters (ClinVar ID: 916196) and has been reported in one case in the cancer database COSMIC (Genomic Mutation ID : COSV67902393). This variant is only observed on 8/152222 alleles in the general population (gnomAD v.3.1.2), indicating it is not a common variant. Computational predictors are conflicting as to the impact of this variant on the FAT4 function. Due to limited information and based on ACMG/AMP guidelines for variant interpretation (Richards S et al., PMID: 25741868), the clinical significance of this variant is uncertain at this time.

Labcorp Genetics (formerly Invitae), Labcorp
Classification: Uncertain significance. Last evaluated: 2022-08-23. Review status: criteria provided, single submitter. Criteria: Invitae Variant Classification Sherloc (09022015). Collection method: clinical testing. Allele origin: germline.
Comment: This sequence change replaces valine, which is neutral and non-polar, with methionine, which is neutral and non-polar, at codon 1515 of the FAT4 protein (p.Val1515Met). This variant is present in population databases (rs773912269, gnomAD 0.01%). This variant has not been reported in the literature in individuals affected with FAT4-related conditions. ClinVar contains an entry for this variant (Variation ID: 916196). Algorithms developed to predict the effect of missense changes on protein structure and function are either unavailable or do not agree on the potential impact of this missense change (SIFT: "Deleterious"; PolyPhen-2: "Probably Damaging"; Align-GVGD: "Class C15"). In summary, the available evidence is currently insufficient to determine the role of this variant in disease. Therefore, it has been classified as a Variant of Uncertain Significance.

CeGaT Center for Human Genetics Tuebingen
Classification: Uncertain significance. Last evaluated: 2020-02-01. Review status: criteria provided, single submitter. Criteria: CeGaT Center For Human Genetics Tuebingen Variant Classification Criteria Version 2. Collection method: clinical testing. Allele origin: germline. Affected: yes. Observed: 1 variant allele.

NM_001291303.3(FAT4):c.4543G>A (p.Val1515Met)

Gene: FAT4 (FAT atypical cadherin 4; plus strand). Cytogenetic location: 4q28.1.
Variant type: single nucleotide variant.
Coding change: c.4543G>A on transcript NM_001291303.3 (MANE Select); coding-DNA position 4543, G replaced by A.
Protein change: p.Val1515Met; replaces valine 1515 with methionine.
Molecular consequence: missense variant.
Genome position (GRCh38, 1-based): chr4:125,320,954, G>A. VCF-style: chr4-125320954-G-A. GRCh37 (hg19) VCF-style: chr4-126242109-G-A.
Other names: c.4543G>A, p.Val1515Met (NM_001291285.3, NM_024582.6); c.4543G>A (NM_024582.4); short protein forms V1515M.
Identifiers: ClinVar variation 916196 (VCV000916196.46), dbSNP rs773912269, ClinGen allele CA3072481.
Genomic context (GRCh38, chr4:125,320,954, plus strand): 5'-ACTGTAAAAGCCAATGATCAAGCTGTGCCAATAGAAACTAGACGGTATGCTTTGAAGAAC[G>A]TGACCATTTTGGTTACAGACCTCAATGACAATGTCCCAATGTTTATATCACAAAACGCCC-3'
Protein context (NP_001278232.1, residues 1505-1525): IETRRYALKN[Val1515Met]TILVTDLNDN